The following is an entry in ClinVar:

NM_018136.5(ASPM):c.1141G>A (p.Asp381Asn)

Gene: ASPM (assembly factor for spindle microtubules; minus strand). Cytogenetic location: 1q31.3.
Variant type: single nucleotide variant.
Coding change: c.1141G>A on transcript NM_018136.5 (MANE Select); coding-DNA position 1141, G replaced by A.
Protein change: p.Asp381Asn; replaces aspartic acid 381 with asparagine.
Molecular consequence: missense variant.
Genome position (GRCh38, 1-based): chr1:197,143,111, C>T on the plus strand (G>A on the coding strand, the complement: ASPM is on the minus strand). VCF-style: chr1-197143111-C-T. GRCh37 (hg19) VCF-style: chr1-197112241-C-T.
Other names: c.1141G>A, p.Asp381Asn (NM_001206846.2); short protein forms D381N.
Identifiers: ClinVar variation 2895696 (VCV002895696.3), dbSNP rs147055570, ClinGen allele CA35861408.

ClinVar aggregate classification (germline): Uncertain significance (1 of 4 stars; one submission).

gnomAD v4.1: 1 of 1,612,746 alleles (0.000062%); highest among the groups gnomAD compares: South Asian, 0.0011%; no homozygotes.

Submission:

Labcorp Genetics (formerly Invitae), Labcorp
Classification: Uncertain significance. Last evaluated: 2023-12-30. Review status: criteria provided, single submitter. Criteria: Invitae Variant Classification Sherloc (09022015). Collection method: clinical testing. Allele origin: germline.
Comment: This sequence change replaces aspartic acid, which is acidic and polar, with asparagine, which is neutral and polar, at codon 381 of the ASPM protein (p.Asp381Asn). This variant is not present in population databases (gnomAD no frequency). This variant has not been reported in the literature in individuals affected with ASPM-related conditions. Advanced modeling of protein sequence and biophysical properties (such as structural, functional, and spatial information, amino acid conservation, physicochemical variation, residue mobility, and thermodynamic stability) performed at Invitae indicates that this missense variant is not expected to disrupt ASPM protein function with a negative predictive value of 80%. In summary, the available evidence is currently insufficient to determine the role of this variant in disease. Therefore, it has been classified as a Variant of Uncertain Significance.